The following is an entry in ClinVar:

ClinVar aggregate classification (germline): Conflicting classifications of pathogenicity. Review status: criteria provided, conflicting classifications (1 of 4 stars). 3 submissions from 3 submitters: Uncertain significance (2); Likely benign (1). Last evaluated 2026-01-19.

Conditions:
Hypertrophic cardiomyopathy 26. Also called: Cardiomyopathy, familial hypertrophic, 26. Identifiers: Orphanet 75249, MedGen C4310749, MONDO:0014883, OMIM 617047.
Myofibrillar myopathy 5. Also called: FILAMINOPATHY, AUTOSOMAL DOMINANT; Filaminopathy (type). Identifiers: Orphanet 171445, MedGen C1836050, MONDO:0012289, OMIM 609524.
Distal myopathy with posterior leg and anterior hand involvement. Also called: WILLIAMS DISTAL MYOPATHY. Identifiers: Orphanet 63273, MedGen C3279722, MONDO:0013550, OMIM 614065.
Cardiovascular phenotype. Identifiers: MedGen CN230736.

Allele frequency attached by ClinVar (database versions not stated): TOPMed below 0.00001; gnomAD 0.00001; ExAC 0.00002; gnomAD exomes 0.00002; 1000 Genomes Project 30x 0.00016; 1000 Genomes Project 0.00020.
gnomAD v4.1: 10 of 1,614,026 alleles (0.00062%); highest among the groups gnomAD compares: East Asian, 0.0067%; no homozygotes.

Submissions (3):

Labcorp Genetics (formerly Invitae), Labcorp
Classification: Likely benign for Distal myopathy with posterior leg and anterior hand involvement; Myofibrillar myopathy 5; Hypertrophic cardiomyopathy 26. Last evaluated: 2026-01-19. Review status: criteria provided, single submitter. Criteria: Invitae Variant Classification Sherloc (09022015). Collection method: clinical testing. Allele origin: germline.

Ambry Genetics
Classification: Uncertain significance for Cardiovascular phenotype. Last evaluated: 2024-01-05. Review status: criteria provided, single submitter. Criteria: Ambry Variant Classification Scheme 2023. Collection method: clinical testing. Allele origin: germline.
Comment: The p.V960G variant (also known as c.2879T>G), located in coding exon 19 of the FLNC gene, results from a T to G substitution at nucleotide position 2879. The valine at codon 960 is replaced by glycine, an amino acid with dissimilar properties. This amino acid position is highly conserved in available vertebrate species. In addition, this alteration is predicted to be deleterious by in silico analysis. Since supporting evidence is limited at this time, the clinical significance of this alteration remains unclear.

GeneDx
Classification: Uncertain significance. Last evaluated: 2019-10-24. Review status: criteria provided, single submitter. Criteria: GeneDx Variant Classification Process June 2021. Collection method: clinical testing. Allele origin: germline. Affected: yes.
Comment: In silico analysis, which includes protein predictors and evolutionary conservation, supports a deleterious effect; Has not been previously published as pathogenic or benign to our knowledge

NM_001458.5(FLNC):c.2879T>G (p.Val960Gly)

Gene: FLNC (filamin C; plus strand). Cytogenetic location: 7q32.1.
Variant type: single nucleotide variant.
Coding change: c.2879T>G on transcript NM_001458.5 (MANE Select); coding-DNA position 2879, T replaced by G.
Protein change: p.Val960Gly; replaces valine 960 with glycine.
Molecular consequence: missense variant.
Genome position (GRCh38, 1-based): chr7:128,843,863, T>G. VCF-style: chr7-128843863-T-G. GRCh37 (hg19) VCF-style: chr7-128483917-T-G.
Other names: c.2879T>G, p.Val960Gly (NM_001127487.2); short protein forms V960G.
Identifiers: ClinVar variation 1309789 (VCV001309789.11), dbSNP rs568452175, ClinGen allele CA4474888.